The following is an entry in ClinVar:

NM_002907.4(RECQL):c.17-4A>G

Gene: RECQL (RecQ like helicase; minus strand). Cytogenetic location: 12p12.1.
Variant type: single nucleotide variant.
Coding change: c.17-4A>G on transcript NM_002907.4 (MANE Select); 4 bases into the intron before coding-DNA position 17, A replaced by G.
Molecular consequence: intron variant.
Genome position (GRCh38, 1-based): chr12:21,491,720, T>C on the plus strand (A>G on the coding strand, the complement: RECQL is on the minus strand). VCF-style: chr12-21491720-T-C. GRCh37 (hg19) VCF-style: chr12-21644654-T-C.
Other names: c.17-4A>G (NM_032941.3).
Identifiers: ClinVar variation 678995 (VCV000678995.8), dbSNP rs753773425, ClinGen allele CA233584000.

ClinVar aggregate classification (germline): Likely benign. Review status: criteria provided, multiple submitters, no conflicts (2 of 4 stars). 2 submissions from 2 submitters: Likely benign (2). Last evaluated 2025-04-30.

Allele frequency attached by ClinVar (database versions not stated): TOPMed 0.00001.
gnomAD v4.1: 13 of 1,606,674 alleles (0.00081%); highest among the groups gnomAD compares: Non-Finnish European, 0.0011%; no homozygotes.

Submissions (2):

Labcorp Genetics (formerly Invitae), Labcorp
Classification: Likely benign. Last evaluated: 2025-04-30. Review status: criteria provided, single submitter. Criteria: Invitae Variant Classification Sherloc (09022015). Collection method: clinical testing. Allele origin: germline.

GeneDx
Classification: Likely benign. Last evaluated: 2018-03-29. Review status: criteria provided, single submitter. Criteria: GeneDx Variant Classification (06012015). Collection method: clinical testing. Allele origin: germline. Affected: yes.
Comment: This variant is considered likely benign or benign based on one or more of the following criteria: it is a conservative change, it occurs at a poorly conserved position in the protein, it is predicted to be benign by multiple in silico algorithms, and/or has population frequency not consistent with disease.